The following is an entry in ClinVar:

ClinVar aggregate classification (germline): Pathogenic (1 of 4 stars; one submission).

Conditions:
Hereditary cancer-predisposing syndrome. Also called: Neoplastic Syndromes, Hereditary; Tumor predisposition; Hereditary Cancer Syndrome; Hereditary neoplastic syndrome. Identifiers: Orphanet 140162, MedGen C0027672, MeSH D009386, MONDO:0015356.

Submission:

Ambry Genetics
Classification: Pathogenic for Hereditary cancer-predisposing syndrome. Last evaluated: 2020-02-10. Review status: criteria provided, single submitter. Criteria: Ambry Variant Classification Scheme 2023. Collection method: clinical testing. Allele origin: germline.
Comment: The c.1612dupA pathogenic mutation, located in coding exon 9 of the BRCA2 gene, results from a duplication of A at nucleotide position 1612, causing a translational frameshift with a predicted alternate stop codon (p.S538Kfs*22). This alteration is expected to result in loss of function by premature protein truncation or nonsense-mediated mRNA decay. As such, this alteration is interpreted as a disease-causing mutation.

NM_000059.4(BRCA2):c.1612dup (p.Ser538fs)

Gene: BRCA2 (BRCA2 DNA repair associated; plus strand). Cytogenetic location: 13q13.1.
Variant type: Duplication.
Coding change: c.1612dup on transcript NM_000059.4 (MANE Select); coding-DNA position 1612, one base duplicated (A; older notation c.1612dupA).
Protein change: p.Ser538fs; shifts the reading frame from serine 538.
Molecular consequence: frameshift variant.
Genome position (GRCh38, 1-based): chr13:32,333,090, A duplicated; the last of 3 consecutive A bases (chr13:32,333,088-32,333,090); duplicating any one gives the same sequence. VCF-style (leftmost placement, unchanged base first): chr13-32333087-G-GA. GRCh37 (hg19) VCF-style: chr13-32907224-G-GA.
Other names: c.1612dup, p.Ser538Lysfs (NM_001406719.1, NM_001406720.1, NM_001406721.1); c.1612dupA (NM_000059.3); short protein forms S538fs.
Identifiers: ClinVar variation 1776423 (VCV001776423.2), dbSNP rs2548520641, ClinGen allele CA2580087087.